The following is an entry in ClinVar:

NM_001205293.3(CACNA1E):c.5898+6T>G

Gene: CACNA1E (calcium voltage-gated channel subunit alpha1 E; plus strand). Cytogenetic location: 1q25.3.
Variant type: single nucleotide variant.
Coding change: c.5898+6T>G on transcript NM_001205293.3 (MANE Select); 6 bases into the intron after coding-DNA position 5898, T replaced by G.
Molecular consequence: intron variant.
Genome position (GRCh38, 1-based): chr1:181,790,562, T>G. VCF-style: chr1-181790562-T-G. GRCh37 (hg19) VCF-style: chr1-181759698-T-G.
Other names: c.5898+6T>G (NM_000721.4); c.5841+6T>G (NM_001205294.2).
Identifiers: ClinVar variation 1525009 (VCV001525009.7), dbSNP rs1661213734, ClinGen allele CA1211231138.

ClinVar aggregate classification (germline): Conflicting classifications of pathogenicity. Review status: criteria provided, conflicting classifications (1 of 4 stars). 2 submissions from 2 submitters: Uncertain significance (1); Likely benign (1). Last evaluated 2025-10-01.

Allele frequency attached by ClinVar (database versions not stated): TOPMed below 0.00001.

Submissions (2):

Labcorp Genetics (formerly Invitae), Labcorp
Classification: Likely benign. Last evaluated: 2025-10-01. Review status: criteria provided, single submitter. Criteria: Invitae Variant Classification Sherloc (09022015). Collection method: clinical testing. Allele origin: germline.

Mayo Clinic Laboratories, Mayo Clinic
Classification: Uncertain significance. Last evaluated: 2023-02-15. Review status: criteria provided, single submitter. Criteria: ACMG Guidelines, 2015. Collection method: clinical testing. Allele origin: germline. Observed: 1 variant allele.
Comment: BP5, PM2